The following is an entry in ClinVar:

ClinVar aggregate classification (germline): Uncertain significance (1 of 4 stars; one submission).

Conditions:
Emery-Dreifuss muscular dystrophy 4, autosomal dominant (EDMD4). Also called: EMERY-DREIFUSS MUSCULAR DYSTROPHY 4 WITH VARIABLE FEATURES. Identifiers: Orphanet 261, MedGen C2751807, MONDO:0013071, OMIM 612998.
Autosomal recessive ataxia, Beauce type. Also called: Spinocerebellar ataxia, autosomal recessive 8; ATAXIA, RECESSIVE, OF BEAUCE; SYNE1-Related Autosomal Recessive Cerebellar Ataxia; SYNE1 Deficiency. Identifiers: Orphanet 88644, MedGen C1853116, MONDO:0012549, OMIM 610743.

Allele frequency attached by ClinVar (database versions not stated): gnomAD 0.00001; gnomAD exomes 0.00001 and 0.00002; ExAC 0.00002; TOPMed 0.00002; ESP Exome Variant Server 0.00008.
gnomAD v4.1: 21 of 1,614,062 alleles (0.0013%); highest among the groups gnomAD compares: South Asian, 0.0044%; no homozygotes.

Submission:

Labcorp Genetics (formerly Invitae), Labcorp
Classification: Uncertain significance for Emery-Dreifuss muscular dystrophy 4, autosomal dominant; Autosomal recessive ataxia, Beauce type. Last evaluated: 2021-08-26. Review status: criteria provided, single submitter. Criteria: Invitae Variant Classification Sherloc (09022015). Collection method: clinical testing. Allele origin: germline.
Comment: This sequence change replaces threonine with methionine at codon 6805 of the SYNE1 protein (p.Thr6805Met). The threonine residue is weakly conserved and there is a moderate physicochemical difference between threonine and methionine. This variant is present in population databases (rs144417950, ExAC 0.02%). This variant has not been reported in the literature in individuals affected with SYNE1-related conditions. Algorithms developed to predict the effect of missense changes on protein structure and function are either unavailable or do not agree on the potential impact of this missense change (SIFT: "Deleterious"; PolyPhen-2: "Benign"; Align-GVGD: "Class C15"). In summary, the available evidence is currently insufficient to determine the role of this variant in disease. Therefore, it has been classified as a Variant of Uncertain Significance.

NM_182961.4(SYNE1):c.20627C>T (p.Thr6876Met)

Gene: SYNE1 (spectrin repeat containing nuclear envelope protein 1; minus strand). Cytogenetic location: 6q25.2.
Variant type: single nucleotide variant.
Coding change: c.20627C>T on transcript NM_182961.4 (MANE Select); coding-DNA position 20627, C replaced by T.
Protein change: p.Thr6876Met; replaces threonine 6876 with methionine.
Molecular consequence: missense variant.
Genome position (GRCh38, 1-based): chr6:152,233,866, G>A on the plus strand (C>T on the coding strand, the complement: SYNE1 is on the minus strand). VCF-style: chr6-152233866-G-A. GRCh37 (hg19) VCF-style: chr6-152555001-G-A.
Other names: c.20414C>T, p.Thr6805Met (NM_033071.5); short protein forms T6876M, T6805M.
Identifiers: ClinVar variation 949199 (VCV000949199.7), dbSNP rs144417950, ClinGen allele CA4054379.